The following is an entry in ClinVar:

ClinVar aggregate classification (germline): Conflicting classifications of pathogenicity. Review status: criteria provided, conflicting classifications (1 of 4 stars). 2 submissions from 2 submitters: Uncertain significance (1); Likely benign (1). Last evaluated 2025-12-31.

Conditions:
Capillary malformation-arteriovenous malformation syndrome. Also called: Capillary malformation-arteriovenous malformation. Identifiers: Orphanet 137667, MedGen C1842180, MONDO:0012016.

Allele frequency attached by ClinVar (database versions not stated): gnomAD exomes below 0.00001 and 0.00001; ExAC 0.00001; gnomAD 0.00004 and 0.00005; ESP Exome Variant Server 0.00015.
gnomAD v4.1: 8 of 1,612,118 alleles (0.0005%); highest among the groups gnomAD compares: African/African-American, 0.011%; no homozygotes.

Submissions (2):

Labcorp Genetics (formerly Invitae), Labcorp
Classification: Uncertain significance for Capillary malformation-arteriovenous malformation syndrome. Last evaluated: 2025-12-31. Review status: criteria provided, single submitter. Criteria: Invitae Variant Classification Sherloc (09022015). Collection method: clinical testing. Allele origin: germline.
Comment: This sequence change replaces threonine, which is neutral and polar, with serine, which is neutral and polar, at codon 87 of the RASA1 protein (p.Thr87Ser). This variant is present in population databases (rs147942393, gnomAD 0.02%). This variant has not been reported in the literature in individuals affected with RASA1-related conditions. ClinVar contains an entry for this variant (Variation ID: 1496056). An algorithm developed to predict the effect of missense changes on protein structure and function outputs the following: PolyPhen-2: "Benign". The serine amino acid residue is found in multiple mammalian species, which suggests that this missense change does not adversely affect protein function. In summary, the available evidence is currently insufficient to determine the role of this variant in disease. Therefore, it has been classified as a Variant of Uncertain Significance.

ARUP Laboratories, Molecular Genetics and Genomics, ARUP Laboratories
Classification: Likely benign. Last evaluated: 2023-12-21. Review status: criteria provided, single submitter. Criteria: ARUP Molecular Germline Variant Investigation Process 2024. Collection method: clinical testing. Allele origin: germline.

NM_002890.3(RASA1):c.259A>T (p.Thr87Ser)

Gene: RASA1 (RAS p21 protein activator 1; plus strand). Cytogenetic location: 5q14.3.
Variant type: single nucleotide variant.
Coding change: c.259A>T on transcript NM_002890.3 (MANE Select); coding-DNA position 259, A replaced by T.
Protein change: p.Thr87Ser; replaces threonine 87 with serine.
Molecular consequence: missense variant.
Genome position (GRCh38, 1-based): chr5:87,268,710, A>T. VCF-style: chr5-87268710-A-T. GRCh37 (hg19) VCF-style: chr5-86564527-A-T.
Other names: short protein forms T87S.
Identifiers: ClinVar variation 1496056 (VCV001496056.9), dbSNP rs147942393, ClinGen allele CA3335368.